The following is an entry in ClinVar:

NM_000038.6(APC):c.-18-7760G>C

Gene: APC (APC regulator of WNT signaling pathway; plus strand). Cytogenetic location: 5q22.2.
Variant type: single nucleotide variant.
Coding change: c.-18-7760G>C on transcript NM_000038.6 (MANE Select); 7760 bases into the intron before 18 bases upstream of the start codon, G replaced by C.
Molecular consequence: intron variant.
Genome position (GRCh38, 1-based): chr5:112,747,113, G>C. VCF-style: chr5-112747113-G-C. GRCh37 (hg19) VCF-style: chr5-112082810-G-C.
Other names: c.-18-7760G>C (NM_001354895.2, NM_001127510.3, NM_001354896.2 and 2 more transcripts); c.166-19213G>C (NM_001354897.2, NM_001354902.2, NM_001127511.3); c.60+8653G>C (NM_001354898.2, NM_001354904.2); c.-1053-7760G>C (NM_001354906.2); c.-43+9188G>C (NM_001354900.2, NM_001354901.2, NM_001354905.2).
Identifiers: ClinVar variation 82786 (VCV000082786.2), dbSNP rs77931349, ClinGen allele CA006228.

ClinVar aggregate classification (germline): other (0 of 4 stars; one submission).

Conditions:
Familial colorectal cancer. Identifiers: MedGen CN280943, MONDO:0023113. Disease mechanism: loss of function.

Submission:

Systems Biology Platform Zhejiang California International NanoSystems Institute
Classification: other for Familial colorectal cancer. Review status: no assertion criteria provided. Collection method: not provided. Allele origin: unknown.
ClinVar note: Converted during submission from cancer to other.